The following is an entry in ClinVar:

NM_000135.4(FANCA):c.1384T>C (p.Tyr462His)

Gene: FANCA (FA complementation group A; minus strand). Cytogenetic location: 16q24.3.
Variant type: single nucleotide variant.
Coding change: c.1384T>C on transcript NM_000135.4 (MANE Select); coding-DNA position 1384, T replaced by C.
Protein change: p.Tyr462His; replaces tyrosine 462 with histidine.
Molecular consequence: missense variant.
Genome position (GRCh38, 1-based): chr16:89,784,940, A>G on the plus strand (T>C on the coding strand, the complement: FANCA is on the minus strand). VCF-style: chr16-89784940-A-G. GRCh37 (hg19) VCF-style: chr16-89851348-A-G.
Other names: c.1384T>C, p.Tyr462His (NM_001286167.3); short protein forms Y462H.
Identifiers: ClinVar variation 4826906 (VCV004826906.1).
Genomic context (GRCh38, chr16:89,784,940, plus strand): 5'-GCACGAGTTCTGACAAGAACGTAAACAGGAAGACCAGGGCCTTCTTGCTGCAGCCATGGT[A>G]GCCTCGTGTGCTCCCAAAGGAGGCCTGTGTGGAGAGAAGAGCGTGAAGCCCAGGACAGCC-3'
Protein context (NP_000126.2, residues 452-472): FKASFGSTRG[Tyr462His]HGCSKKALVF

ClinVar aggregate classification (germline): Uncertain significance (1 of 4 stars; one submission).

Conditions:
Inborn genetic diseases. Identifiers: MedGen C0950123, MeSH D030342.

Submission:

Ambry Genetics
Classification: Uncertain significance for Inborn genetic diseases. Last evaluated: 2026-02-28. Review status: criteria provided, single submitter. Criteria: Ambry Variant Classification Scheme 2023. Collection method: clinical testing. Allele origin: germline.
Comment: The p.Y462H variant (also known as c.1384T>C), located in coding exon 15 of the FANCA gene, results from a T to C substitution at nucleotide position 1384. The tyrosine at codon 462 is replaced by histidine, an amino acid with similar properties. This amino acid position is conserved. In addition, this alteration is predicted to be tolerated by in silico analysis. Based on the available evidence, the clinical significance of this variant remains unclear.